The following is an entry in ClinVar:

NM_004006.3(DMD):c.7507C>T (p.Leu2503Phe)

Gene: DMD (dystrophin; minus strand). Cytogenetic location: Xp21.1.
Variant type: single nucleotide variant.
Coding change: c.7507C>T on transcript NM_004006.3 (MANE Select); coding-DNA position 7507, C replaced by T.
Protein change: p.Leu2503Phe; replaces leucine 2503 with phenylalanine.
Molecular consequence: missense variant.
Genome position (GRCh38, 1-based): chrX:31,773,995, G>A on the plus strand (C>T on the coding strand, the complement: DMD is on the minus strand). VCF-style: chrX-31773995-G-A. GRCh37 (hg19) VCF-style: chrX-31792112-G-A.
Other names: c.7483C>T, p.Leu2495Phe (NM_000109.4); c.7495C>T, p.Leu2499Phe (NM_004009.3); c.7138C>T, p.Leu2380Phe (NM_004010.3); c.3484C>T, p.Leu1162Phe (NM_004011.4); c.3475C>T, p.Leu1159Phe (NM_004012.4); c.127C>T, p.Leu43Phe (NM_004013.3, NM_004020.4, NM_004021.3 and 2 more transcripts); short protein forms L1159F, L1162F, L2380F, L2495F, L2499F, L2503F, L43F.
Identifiers: ClinVar variation 3626440 (VCV003626440.2).
Genomic context (GRCh38, chrX:31,773,995, plus strand): 5'-CAACTTTTATCATTTTTTCTCATACCTTCTGCTTGATGATCATCTCGTTGATATCCTCAA[G>A]GTCACCCACCATCACCCTCTGTGATTTTATAACTTGATCAAGCAGAGAAAGCCAGTCGGT-3'
Protein context (NP_003997.2, residues 2493-2513): IKSQRVMVGD[Leu2503Phe]EDINEMIIKQ

ClinVar aggregate classification (germline): Uncertain significance (1 of 4 stars; one submission).

Conditions:
Duchenne muscular dystrophy (DMD). Also called: MUSCULAR DYSTROPHY, PSEUDOHYPERTROPHIC PROGRESSIVE, DUCHENNE TYPE; Duchenne Muscular Dystrophy (DMD). Identifiers: Orphanet 98896, MedGen C0013264, MONDO:0010679, OMIM 310200.

gnomAD v4.1: 7 of 1,209,524 alleles (0.00058%); highest among the groups gnomAD compares: Non-Finnish European, 0.00078%; no homozygotes.

Submission:

Labcorp Genetics (formerly Invitae), Labcorp
Classification: Uncertain significance for Duchenne muscular dystrophy. Last evaluated: 2024-05-07. Review status: criteria provided, single submitter. Criteria: Invitae Variant Classification Sherloc (09022015). Collection method: clinical testing. Allele origin: germline.
Comment: This sequence change replaces leucine, which is neutral and non-polar, with phenylalanine, which is neutral and non-polar, at codon 2503 of the DMD protein (p.Leu2503Phe). This variant is present in population databases (no rsID available, gnomAD 0.001%). This variant has not been reported in the literature in individuals affected with DMD-related conditions. Advanced modeling of protein sequence and biophysical properties (such as structural, functional, and spatial information, amino acid conservation, physicochemical variation, residue mobility, and thermodynamic stability) performed at Invitae indicates that this missense variant is not expected to disrupt DMD protein function with a negative predictive value of 95%. In summary, the available evidence is currently insufficient to determine the role of this variant in disease. Therefore, it has been classified as a Variant of Uncertain Significance.